The following is an entry in ClinVar:

NM_004525.3(LRP2):c.11683C>T (p.Arg3895Cys)

Gene: LRP2 (LDL receptor related protein 2; minus strand). Cytogenetic location: 2q31.1.
Variant type: single nucleotide variant.
Coding change: c.11683C>T on transcript NM_004525.3 (MANE Select); coding-DNA position 11683, C replaced by T.
Protein change: p.Arg3895Cys; replaces arginine 3895 with cysteine.
Molecular consequence: missense variant.
Genome position (GRCh38, 1-based): chr2:169,166,007, G>A on the plus strand (C>T on the coding strand, the complement: LRP2 is on the minus strand). VCF-style: chr2-169166007-G-A. GRCh37 (hg19) VCF-style: chr2-170022517-G-A.
Other names: c.11683C>T (NM_004525.2); short protein forms R3895C.
Identifiers: ClinVar variation 1402561 (VCV001402561.8), dbSNP rs763655058, ClinGen allele CA1952995.

ClinVar aggregate classification (germline): Uncertain significance. Review status: criteria provided, multiple submitters, no conflicts (2 of 4 stars). 4 submissions from 4 submitters: Uncertain significance (4). Last evaluated 2025-12-08.

Conditions:
LRP2-related disorder. Also called: LRP2-related condition.
Donnai-Barrow syndrome. Also called: FACIOOCULOACOUSTICORENAL SYNDROME; DBS/FOAR SYNDROME. Identifiers: Orphanet 2143, MedGen C1857277, MONDO:0009104, OMIM 222448.

Allele frequency attached by ClinVar (database versions not stated): TOPMed 0.00001.
gnomAD v4.1: 27 of 1,613,978 alleles (0.0017%); highest among the groups gnomAD compares: East Asian, 0.011%; no homozygotes.

Submissions (4):

PreventionGenetics, part of Exact Sciences
Classification: Uncertain significance for LRP2-related condition. Last evaluated: 2025-12-08. Review status: criteria provided, single submitter. Criteria: ACMG Guidelines, 2015. Collection method: clinical testing. Allele origin: germline.
Comment: The LRP2 c.11683C>T variant is predicted to result in the amino acid substitution p.Arg3895Cys. To our knowledge, this variant has not been reported in the literature. This variant is reported in 0.016% of alleles in individuals of East Asian descent in gnomAD. At this time, the clinical significance of this variant is uncertain due to the absence of conclusive functional and genetic evidence.

Blueprint Genetics
Classification: Uncertain significance. Last evaluated: 2024-02-08. Review status: criteria provided, single submitter. Criteria: ACMG Guidelines, 2015. Collection method: clinical testing. Allele origin: germline.

Labcorp Genetics (formerly Invitae), Labcorp
Classification: Uncertain significance. Last evaluated: 2022-03-12. Review status: criteria provided, single submitter. Criteria: Invitae Variant Classification Sherloc (09022015). Collection method: clinical testing. Allele origin: germline.
Comment: This sequence change replaces arginine, which is basic and polar, with cysteine, which is neutral and slightly polar, at codon 3895 of the LRP2 protein (p.Arg3895Cys). This variant is present in population databases (rs763655058, gnomAD 0.02%). This variant has not been reported in the literature in individuals affected with LRP2-related conditions. Advanced modeling of protein sequence and biophysical properties (such as structural, functional, and spatial information, amino acid conservation, physicochemical variation, residue mobility, and thermodynamic stability) performed at Invitae indicates that this missense variant is expected to disrupt LRP2 protein function. In summary, the available evidence is currently insufficient to determine the role of this variant in disease. Therefore, it has been classified as a Variant of Uncertain Significance.

Fulgent Genetics
Classification: Uncertain significance for Donnai-Barrow syndrome. Last evaluated: 2022-03-10. Review status: criteria provided, single submitter. Criteria: ACMG Guidelines, 2015. Collection method: clinical testing. Allele origin: unknown.